The following is an entry in ClinVar:

ClinVar aggregate classification (germline): Uncertain significance (1 of 4 stars; one submission).

Conditions:
Peroxisome biogenesis disorder, complementation group K (CGK). Identifiers: MedGen C1866257, MONDO:0800365.

Allele frequency attached by ClinVar (database versions not stated): TOPMed below 0.00001.
gnomAD v4.1: 1 of 1,609,690 alleles (0.000062%); highest among the groups gnomAD compares: Admixed American, 0.0017%; no homozygotes.

Submission:

Labcorp Genetics (formerly Invitae), Labcorp
Classification: Uncertain significance for Peroxisome biogenesis disorder, complementation group K. Last evaluated: 2021-07-26. Review status: criteria provided, single submitter. Criteria: Invitae Variant Classification Sherloc (09022015). Collection method: clinical testing. Allele origin: germline.
Comment: Algorithms developed to predict the effect of sequence changes on RNA splicing suggest that this variant may create or strengthen a splice site. Algorithms developed to predict the effect of missense changes on protein structure and function are either unavailable or do not agree on the potential impact of this missense change (SIFT: "Tolerated"; PolyPhen-2: "Not Available"; Align-GVGD: "Class C0"). This variant has not been reported in the literature in individuals affected with PEX14-related conditions. This sequence change replaces alanine with valine at codon 7 of the PEX14 protein (p.Ala7Val). The alanine residue is weakly conserved and there is a small physicochemical difference between alanine and valine. This variant is not present in population databases (ExAC no frequency). In summary, the available evidence is currently insufficient to determine the role of this variant in disease. Therefore, it has been classified as a Variant of Uncertain Significance.

NM_004565.3(PEX14):c.20C>T (p.Ala7Val)

Gene: PEX14 (peroxisomal biogenesis factor 14; plus strand). Cytogenetic location: 1p36.22.
Variant type: single nucleotide variant.
Coding change: c.20C>T on transcript NM_004565.3 (MANE Select); coding-DNA position 20, C replaced by T.
Protein change: p.Ala7Val; replaces alanine 7 with valine.
Molecular consequence: missense variant.
Genome position (GRCh38, 1-based): chr1:10,474,986, C>T. VCF-style: chr1-10474986-C-T. GRCh37 (hg19) VCF-style: chr1-10535043-C-T.
Other names: short protein forms A7V.
Identifiers: ClinVar variation 1507242 (VCV001507242.6), dbSNP rs759852702, ClinGen allele CA17905369.